The following is an entry in ClinVar:

NM_030632.3(ASXL3):c.5019C>G (p.His1673Gln)

Gene: ASXL3 (ASXL transcriptional regulator 3; plus strand). Cytogenetic location: 18q12.1.
Variant type: single nucleotide variant.
Coding change: c.5019C>G on transcript NM_030632.3 (MANE Select); coding-DNA position 5019, C replaced by G.
Protein change: p.His1673Gln; replaces histidine 1673 with glutamine.
Molecular consequence: missense variant.
Genome position (GRCh38, 1-based): chr18:33,744,867, C>G. VCF-style: chr18-33744867-C-G. GRCh37 (hg19) VCF-style: chr18-31324831-C-G.
Other names: c.5019C>G (NM_030632.2); short protein forms H1673Q.
Identifiers: ClinVar variation 3958445 (VCV003958445.2).

ClinVar aggregate classification (germline): Uncertain significance. Review status: criteria provided, multiple submitters, no conflicts (2 of 4 stars). 2 submissions from 2 submitters: Uncertain significance (2). Last evaluated 2026-03-08.

Conditions:
ASXL3-related disorder. Also called: ASXL3-related condition. Identifiers: MedGen CN381524.
Inborn genetic diseases. Identifiers: MedGen C0950123, MeSH D030342.

Submissions (2):

PreventionGenetics, part of Exact Sciences
Classification: Uncertain significance for ASXL3-related condition. Last evaluated: 2026-03-08. Review status: criteria provided, single submitter. Criteria: ACMG Guidelines, 2015. Collection method: clinical testing. Allele origin: germline.
Comment: The ASXL3 c.5019C>G variant is predicted to result in the amino acid substitution p.His1673Gln. To our knowledge, this variant has not been reported in the literature or in a large population database (gnomAD), indicating this variant is rare. At this time, the clinical significance of this variant is uncertain due to the absence of conclusive functional and genetic evidence.

Ambry Genetics
Classification: Uncertain significance for Inborn genetic diseases. Last evaluated: 2025-04-07. Review status: criteria provided, single submitter. Criteria: Ambry Variant Classification Scheme 2023. Collection method: clinical testing. Allele origin: germline.